The following is an entry in ClinVar:

ClinVar aggregate classification (germline): Uncertain significance (1 of 4 stars; one submission).

Conditions:
Cardiovascular phenotype. Identifiers: MedGen CN230736.

gnomAD v4.1: 1 of 1,351,426 alleles (0.000074%); highest among the groups gnomAD compares: Non-Finnish European, 0.000094%; no homozygotes.

Submission:

Ambry Genetics
Classification: Uncertain significance for Cardiovascular phenotype. Last evaluated: 2026-07-09. Review status: criteria provided, single submitter. Criteria: Ambry Variant Classification Scheme 2023. Collection method: clinical testing. Allele origin: germline.
Comment: The p.A72G variant (also known as c.215C>G), located in coding exon 1 of the SNTA1 gene, results from a C to G substitution at nucleotide position 215. The alanine at codon 72 is replaced by glycine, an amino acid with similar properties. This amino acid position is conserved. In addition, this alteration is predicted to be tolerated by in silico analysis. Based on the available evidence, the clinical significance of this variant remains unclear.

NM_003098.3(SNTA1):c.215C>G (p.Ala72Gly)

Gene: SNTA1 (syntrophin alpha 1; minus strand). Cytogenetic location: 20q11.21.
Variant type: single nucleotide variant.
Coding change: c.215C>G on transcript NM_003098.3 (MANE Select); coding-DNA position 215, C replaced by G.
Protein change: p.Ala72Gly; replaces alanine 72 with glycine.
Molecular consequence: missense variant.
Genome position (GRCh38, 1-based): chr20:33,443,406, G>C on the plus strand (C>G on the coding strand, the complement: SNTA1 is on the minus strand). VCF-style: chr20-33443406-G-C. GRCh37 (hg19) VCF-style: chr20-32031212-G-C.
Other names: c.215C>G, p.Ala72Gly (NM_001424413.1, NM_001424414.1); short protein forms A72G.
Identifiers: ClinVar variation 5029999 (VCV005029999.1).